The following is an entry in ClinVar:

NM_001854.4(COL11A1):c.1057A>G (p.Lys353Glu)

Gene: COL11A1 (collagen type XI alpha 1 chain; minus strand). Cytogenetic location: 1p21.1.
Variant type: single nucleotide variant.
Coding change: c.1057A>G on transcript NM_001854.4 (MANE Select); coding-DNA position 1057, A replaced by G.
Protein change: p.Lys353Glu; replaces lysine 353 with glutamic acid.
Molecular consequence: missense variant. On other transcripts: non-coding transcript variant (1), intron variant (1).
Genome position (GRCh38, 1-based): chr1:103,022,930, T>C on the plus strand (A>G on the coding strand, the complement: COL11A1 is on the minus strand). VCF-style: chr1-103022930-T-C. GRCh37 (hg19) VCF-style: chr1-103488486-T-C.
Other names: c.940A>G, p.Lys314Glu (NM_001190709.2); c.1093A>G, p.Lys365Glu (NM_080629.3); c.898-1161A>G (NM_080630.4); short protein forms K353E, K365E, K314E.
Identifiers: ClinVar variation 1405018 (VCV001405018.6), dbSNP rs2101946256, ClinGen allele CA341154934.

ClinVar aggregate classification (germline): Uncertain significance (1 of 4 stars; one submission).

Submission:

Labcorp Genetics (formerly Invitae), Labcorp
Classification: Uncertain significance. Last evaluated: 2021-09-10. Review status: criteria provided, single submitter. Criteria: Invitae Variant Classification Sherloc (09022015). Collection method: clinical testing. Allele origin: germline.
Comment: This variant is not present in population databases (ExAC no frequency). This sequence change replaces lysine with glutamic acid at codon 353 of the COL11A1 protein (p.Lys353Glu). The lysine residue is moderately conserved and there is a small physicochemical difference between lysine and glutamic acid. This variant has not been reported in the literature in individuals affected with COL11A1-related conditions. Advanced modeling of protein sequence and biophysical properties (such as structural, functional, and spatial information, amino acid conservation, physicochemical variation, residue mobility, and thermodynamic stability) performed at Invitae indicates that this missense variant is not expected to disrupt COL11A1 protein function. In summary, the available evidence is currently insufficient to determine the role of this variant in disease. Therefore, it has been classified as a Variant of Uncertain Significance.